The following is an entry in ClinVar:

NM_003482.4(KMT2D):c.2630C>G (p.Pro877Arg)

Gene: KMT2D (lysine methyltransferase 2D; minus strand). Cytogenetic location: 12q13.12.
Variant type: single nucleotide variant.
Coding change: c.2630C>G on transcript NM_003482.4 (MANE Select); coding-DNA position 2630, C replaced by G.
Protein change: p.Pro877Arg; replaces proline 877 with arginine.
Molecular consequence: missense variant.
Genome position (GRCh38, 1-based): chr12:49,051,053, G>C on the plus strand (C>G on the coding strand, the complement: KMT2D is on the minus strand). VCF-style: chr12-49051053-G-C. GRCh37 (hg19) VCF-style: chr12-49444836-G-C.
Other names: short protein forms P877R.
Identifiers: ClinVar variation 4071869 (VCV004071869.2).

ClinVar aggregate classification (germline): Uncertain significance (1 of 4 stars; one submission).

Submission:

GeneDx
Classification: Uncertain significance. Last evaluated: 2026-04-12. Review status: criteria provided, single submitter. Criteria: GeneDx Variant Classification Process June 2021. Collection method: clinical testing. Allele origin: germline.
Comment: Not observed at significant frequency in large population cohorts (gnomAD); In silico analysis suggests that this missense variant does not alter protein structure/function; Has not been previously published as pathogenic or benign to our knowledge